The following is an entry in ClinVar:

ClinVar aggregate classification (germline): Uncertain significance (1 of 4 stars; one submission).

Conditions:
Inborn genetic diseases. Identifiers: MedGen C0950123, MeSH D030342.

Allele frequency attached by ClinVar (database versions not stated): TOPMed below 0.00001; ExAC 0.00001.
gnomAD v4.1: 3 of 1,614,160 alleles (0.00019%); highest among the groups gnomAD compares: Admixed American, 0.005%; no homozygotes.

Submission:

Ambry Genetics
Classification: Uncertain significance for Inborn genetic diseases. Last evaluated: 2023-05-13. Review status: criteria provided, single submitter. Criteria: Ambry Variant Classification Scheme 2023. Collection method: clinical testing. Allele origin: germline.
Comment: The p.Q591H variant (also known as c.1773G>T), located in coding exon 12 of the EPAS1 gene, results from a G to T substitution at nucleotide position 1773. The glutamine at codon 591 is replaced by histidine, an amino acid with highly similar properties. This amino acid position is conserved. In addition, this alteration is predicted to be tolerated by in silico analysis. Since supporting evidence is limited at this time, the clinical significance of this alteration remains unclear.

NM_001430.5(EPAS1):c.1773G>T (p.Gln591His)

Gene: EPAS1 (endothelial PAS domain protein 1; plus strand). Cytogenetic location: 2p21.
Variant type: single nucleotide variant.
Coding change: c.1773G>T on transcript NM_001430.5 (MANE Select); coding-DNA position 1773, G replaced by T.
Protein change: p.Gln591His; replaces glutamine 591 with histidine.
Molecular consequence: missense variant.
Genome position (GRCh38, 1-based): chr2:46,380,445, G>T. VCF-style: chr2-46380445-G-T. GRCh37 (hg19) VCF-style: chr2-46607584-G-T.
Other names: short protein forms Q591H.
Identifiers: ClinVar variation 2565067 (VCV002565067.2), dbSNP rs781672098, ClinGen allele CA1645103.
Genomic context (GRCh38, chr2:46,380,445, plus strand): 5'-CCAGCCACTGGCCCCTGTAGCCCCGCACAGTCCCTTCCTCCTGGACAAGTTTCAGCAGCA[G>T]CTGGAGAGCAAGAAGACAGAGCCCGAGCACCGGCCCATGTCCTCCATCTTCTTTGATGCC-3'
Protein context (NP_001421.2, residues 581-601): SPFLLDKFQQ[Gln591His]LESKKTEPEH